The following is an entry in ClinVar:

ClinVar aggregate classification (germline): Uncertain significance (1 of 4 stars; one submission).

Allele frequency attached by ClinVar (database versions not stated): ExAC 0.00002; gnomAD 0.00005; 1000 Genomes Project 30x 0.00016; 1000 Genomes Project 0.00020.

Submission:

Ambry Genetics
Classification: Uncertain significance. Last evaluated: 2023-11-29. Review status: criteria provided, single submitter. Criteria: Ambry Variant Classification Scheme 2023. Collection method: clinical testing. Allele origin: germline.
Comment: The p.R31Q variant (also known as c.92G>A), located in coding exon 1 of the EGLN2 gene, results from a G to A substitution at nucleotide position 92. The arginine at codon 31 is replaced by glutamine, an amino acid with highly similar properties. This amino acid position is conserved. In addition, this alteration is predicted to be tolerated by in silico analysis. Since supporting evidence is limited at this time, the clinical significance of this alteration remains unclear.

NM_080732.4(EGLN2):c.92G>A (p.Arg31Gln)

Genes: EGLN2 (egl-9 family hypoxia inducible factor 2; plus strand), RAB4B-EGLN2 (RAB4B-EGLN2 readthrough (NMD candidate); plus strand). Cytogenetic location: 19q13.2.
Variant type: single nucleotide variant.
Coding change: c.92G>A on transcript NM_080732.4 (MANE Select); coding-DNA position 92, G replaced by A.
Protein change: p.Arg31Gln; replaces arginine 31 with glutamine.
Molecular consequence: missense variant. On other transcripts: non-coding transcript variant (1).
Genome position (GRCh38, 1-based): chr19:40,800,664, G>A. VCF-style: chr19-40800664-G-A. GRCh37 (hg19) VCF-style: chr19-41306569-G-A.
Other names: c.92G>A, p.Arg31Gln (NM_053046.4); short protein forms R31Q.
Identifiers: ClinVar variation 1766494 (VCV001766494.2), dbSNP rs534813597, ClinGen allele CA9452144.
Genomic context (GRCh38, chr19:40,800,664, plus strand): 5'-GTCAGGCTCTCCCTCAGTTACCAGGGTCTTCGTCAGAGCCCTTGGAGCCTGAGCCTGGCC[G>A]GGCCAGGATGGGAGTGGAGAGTTACCTGCCCTGTCCCCTGCTCCCCTCCTACCACTGTCC-3'
Protein context (NP_542770.2, residues 21-41): SSEPLEPEPG[Arg31Gln]ARMGVESYLP